The following is an entry in ClinVar:

NM_000282.4(PCCA):c.234del (p.Ile79fs)

Gene: PCCA (propionyl-CoA carboxylase subunit alpha; plus strand). Cytogenetic location: 13q32.3.
Variant type: Deletion.
Coding change: c.234del on transcript NM_000282.4 (MANE Select); coding-DNA position 234, one base deleted (T; older notation c.234delT).
Protein change: p.Ile79fs; shifts the reading frame from isoleucine 79.
Molecular consequence: frameshift variant. On other transcripts: 5 prime UTR variant (3), non-coding transcript variant (5).
Genome position (GRCh38, 1-based): chr13:100,111,995, T deleted; the last of 2 consecutive T bases (chr13:100,111,994-100,111,995); deleting either gives the same sequence. VCF-style (leftmost placement, unchanged base first): chr13-100111993-GT-G. GRCh37 (hg19) VCF-style: chr13-100764247-GT-G.
Other names: c.156del, p.Ile53fs (NM_001127692.3, NM_001352607.2, NM_001352608.2); c.234del, p.Ile79fs (NM_001178004.2, NM_001352605.2, NM_001352606.2 and 1 more transcripts); c.-633del (NM_001352610.2, NM_001352611.2, NM_001352612.2); short protein forms I53fs, I79fs.
Identifiers: ClinVar variation 2757935 (VCV002757935.3), dbSNP rs2542287928, ClinGen allele CA2697551919.
Genomic context (GRCh38, chr13:100,111,993, plus strand): 5'-TTTATTAAACCCCTTTAAGTGTGAATCACTATTAATAGACATTAATATATTTTAAAATAG[GT>G]TATTAGAACTTGCAAGAAGATGGGCATTAAGACAGTTGCCATCCACAGTGATGTTGATGC-3'

ClinVar aggregate classification (germline): Pathogenic (1 of 4 stars; one submission).

Conditions:
Propionic acidemia (PROP). Also called: GLYCINEMIA, KETOTIC; HYPERGLYCINEMIA WITH KETOACIDOSIS AND LEUKOPENIA; KETOTIC HYPERGLYCINEMIA. Identifiers: Orphanet 35, MedGen C0268579, MONDO:0011628, OMIM 606054, HP:0003571.

Submission:

Labcorp Genetics (formerly Invitae), Labcorp
Classification: Pathogenic for Propionic acidemia. Last evaluated: 2023-09-11. Review status: criteria provided, single submitter. Criteria: Invitae Variant Classification Sherloc (09022015). Collection method: clinical testing. Allele origin: germline.
Comment: For these reasons, this variant has been classified as Pathogenic. This variant has not been reported in the literature in individuals affected with PCCA-related conditions. This variant is not present in population databases (gnomAD no frequency). This sequence change creates a premature translational stop signal (p.Ile79Leufs*25) in the PCCA gene. It is expected to result in an absent or disrupted protein product. Loss-of-function variants in PCCA are known to be pathogenic (PMID: 15464417).

Literature cited by the submitters: PubMed 15464417.